The following is an entry in ClinVar:

NM_001365088.1(SLC12A6):c.3031C>T (p.Arg1011Ter)

Gene: SLC12A6 (solute carrier family 12 member 6; minus strand). Cytogenetic location: 15q14.
Variant type: single nucleotide variant.
Coding change: c.3031C>T on transcript NM_001365088.1 (MANE Select); coding-DNA position 3031, C replaced by T.
Protein change: p.Arg1011Ter; replaces arginine 1011 with a stop codon.
Molecular consequence: nonsense.
Genome position (GRCh38, 1-based): chr15:34,236,719, G>A on the plus strand (C>T on the coding strand, the complement: SLC12A6 is on the minus strand). VCF-style: chr15-34236719-G-A. GRCh37 (hg19) VCF-style: chr15-34528920-G-A.
Other names: c.2854C>T, p.Arg952Ter (NM_001042494.2, NM_001042495.2); c.3004C>T, p.Arg1002Ter (NM_001042496.2); c.2986C>T, p.Arg996Ter (NM_001042497.2); c.2878C>T, p.Arg960Ter (NM_005135.2); c.3031C>T, p.Arg1011Ter (NM_133647.2); short protein forms R1011*, R960*, R1002*, R952*, R996*.
Identifiers: ClinVar variation 5326 (VCV000005326.30), dbSNP rs121908427, ClinGen allele CA340397.

ClinVar aggregate classification (germline): Pathogenic. Review status: criteria provided, multiple submitters, no conflicts (2 of 4 stars). 12 submissions from 12 submitters: Pathogenic (8). 4 of the submissions do not count toward it. Last evaluated 2024-08-29.

Conditions:
Agenesis of the corpus callosum with peripheral neuropathy (ACCPN). Also called: HMSN/ACC; Hereditary Motor and Sensory Neuropathy with Agenesis of the Corpus Callosum; CHARLEVOIX DISEASE; POLYNEUROPATHY, SENSORIMOTOR, WITH OR WITHOUT AGENESIS OF THE CORPUS CALLOSUM. Identifiers: Orphanet 1496, MedGen C0795950, MONDO:0000902, OMIM 218000. Disease mechanism: loss of function.
Charcot-Marie-Tooth disease, axonal, IIa 2II. Also called: CHARCOT-MARIE-TOOTH NEUROPATHY, TYPE 2II; Charcot-Marie-Tooth disease, axonal, type 2II; Charcot-marie-tooth disease, axonal,IIa 2II. Identifiers: MedGen C5774227, MONDO:0031068, OMIM 620068.

Allele frequency attached by ClinVar (database versions not stated): gnomAD 0.00001.
gnomAD v4.1: 10 of 1,578,520 alleles (0.00063%); highest among the groups gnomAD compares: Admixed American, 0.0017%; no homozygotes.

Submissions (12):

Labcorp Genetics (formerly Invitae), Labcorp
Classification: Pathogenic. Last evaluated: 2024-08-29. Review status: criteria provided, single submitter. Criteria: Invitae Variant Classification Sherloc (09022015). Collection method: clinical testing. Allele origin: germline.
Comment: This sequence change creates a premature translational stop signal (p.Arg1011*) in the SLC12A6 gene. It is expected to result in an absent or disrupted protein product. Loss-of-function variants in SLC12A6 are known to be pathogenic (PMID: 12368912, 16606917). This variant is present in population databases (rs121908427, gnomAD 0.0009%). This premature translational stop signal has been observed in individuals with agenesis of the corpus callosum with peripheral neuropathy (PMID: 12368912, 24341143). ClinVar contains an entry for this variant (Variation ID: 5326). Algorithms developed to predict the effect of sequence changes on RNA splicing suggest that this variant may disrupt the consensus splice site. For these reasons, this variant has been classified as Pathogenic.

Fulgent Genetics
Classification: Pathogenic for Agenesis of the corpus callosum with peripheral neuropathy; Charcot-Marie-Tooth disease, axonal, IIa 2II. Last evaluated: 2024-06-17. Review status: criteria provided, single submitter. Criteria: ACMG Guidelines, 2015. Collection method: clinical testing. Allele origin: germline.

Natera, Inc.
Classification: Pathogenic for Andermann syndrome. Last evaluated: 2024-05-07. Review status: criteria provided, single submitter. Criteria: Natera Variant Classification Schema (03/2026). Collection method: clinical testing. Allele origin: germline.
Comment: The c.3031C>T variant in SLC12A6 is a nonsense variant predicted to introduce a stop codon at amino acid 1011. This variant is expected to result in nonsense mediated decay, truncation, or a dysfunctional protein product. This variant is rare in the general population with a frequency below the threshold expected for the associated phenotype(s). This variant has been observed in one or more individuals affected with the associated recessive disease, as either homozygous or compound heterozygous with a second variant (PMID: 17893295). Given the available evidence, this variant is classified as Pathogenic.

Baylor Genetics
Classification: Pathogenic for Agenesis of the corpus callosum with peripheral neuropathy. Last evaluated: 2024-01-05. Review status: criteria provided, single submitter. Criteria: ACMG Guidelines, 2015. Collection method: clinical testing. Allele origin: unknown.

Genome-Nilou Lab
Classification: Pathogenic for Agenesis of the corpus callosum with peripheral neuropathy. Last evaluated: 2021-07-15. Review status: criteria provided, single submitter. Criteria: ACMG Guidelines, 2015. Collection method: clinical testing. Allele origin: germline. Affected: no.

Laboratorio de Genetica e Diagnostico Molecular, Hospital Israelita Albert Einstein
Classification: Pathogenic. Last evaluated: 2020-03-02. Review status: criteria provided, single submitter. Criteria: ACMG Guidelines, 2015. Collection method: clinical testing. Allele origin: germline. Affected: yes.
Comment: ACMG classification criteria: PVS1, PS3, PS4, PM2, PM3

Myriad Genetics, Inc.
Classification: Pathogenic for Agenesis of the corpus callosum with peripheral neuropathy. Last evaluated: 2019-11-12. Review status: criteria provided, single submitter. Criteria: Myriad Women's Health Autosomal Recessive and X-Linked Classification Criteria (2019). Collection method: clinical testing. Allele origin: unknown.
Comment: NM_133647.1(SLC12A6):c.3031C>T(R1011*) is classified as pathogenic in the context of Andermann syndrome. Sources cited for classification include the following: PMID 12368912 and 17893295. Classification of NM_133647.1(SLC12A6):c.3031C>T(R1011*) is based on the following criteria: The variant causes a premature termination codon that is expected to be targeted by nonsense-mediated mRNA decay and is reported in individuals with the relevant phenotype. Please note: this variant was assessed in the context of healthy population screening.

Illumina Laboratory Services, Illumina
Classification: Pathogenic for Agenesis of the corpus callosum with peripheral neuropathy. Last evaluated: 2017-04-28. Review status: criteria provided, single submitter. Criteria: ICSL Variant Classification Criteria 09 May 2019. Collection method: clinical testing. Allele origin: germline.
Comment: The SLC12A6 c.3031C>T (p.Arg1011Ter) variant is a stop-gained variant predicted to result in premature termination of the protein. The p.Arg1011Ter variant has been reported in at least three studies in which it is found in a homozygous state in a total of nine patients with hereditary motor and sensory neuropathy with agenesis of the corpus callosum from six families (three Turkish, two South African, and one Dutch) (Howard et al. 2002; Salin-Cantegrel et al. 2007; Degerliyurt et al. 2013). In the study by Salin-Cantegrel et al. (2007) haplotype analysis revealed the variant arose on two different haplotypes, one shared by the Turkish families, and one shared by the Afrikaner/Dutch families. Control data are not available for this variant which has been reported at a frequency of 0.00002 in the European (non-Finnish) population, however this is based on one allele only in a region of good sequence coverage so the variant is presumed to be rare. Functional studies using a Xenopus oocyte flux assay demonstrated that the p.Arg1011Ter variant abolished transporter activity (Salin-Cantegrel et al. 2007). The last 30 amino acids of the SLC12A6 protein are highly conserved and the sequence is virtually identical across species including mammals, D. melanogaster, and C. elegans (Howard et al. 2002). Based on the evidence and the potential impact of stop-gained variants, the p.Arg1011Ter variant is classified as pathogenic for hereditary motor and sensory neuropathy with agenesis of the corpus callosum. This variant was observed by ICSL as part of a predisposition screen in an ostensibly healthy population.

OMIM
Classification: Pathogenic for AGENESIS OF THE CORPUS CALLOSUM WITH PERIPHERAL NEUROPATHY. Last evaluated: 2007-09-25. Review status: no assertion criteria provided. Collection method: literature only. Allele origin: germline. Not counted in ClinVar's aggregate classification.

Clinical Genetics, Academic Medical Center
Classification: Pathogenic. Review status: no assertion criteria provided. Collection method: clinical testing. Allele origin: germline. Affected: yes. Study: VKGL Data-share Consensus. Not counted in ClinVar's aggregate classification.

Diagnostic Laboratory, Department of Genetics, University Medical Center Groningen
Classification: Pathogenic for Agenesis of the corpus callosum with peripheral neuropathy. Review status: no assertion criteria provided. Collection method: clinical testing. Allele origin: germline. Affected: yes. Study: VKGL Data-share Consensus. Not counted in ClinVar's aggregate classification.

GeneReviews
No classification provided. Condition: Agenesis of the corpus callosum with peripheral neuropathy. Review status: no classification provided. Collection method: literature only. Allele origin: germline. Affected: yes. Not counted in ClinVar's aggregate classification.

Literature cited by the submitters: PubMed 12368912 (cited by 4 submitters); PubMed 16606917 (cited by Labcorp Genetics (formerly Invitae), Labcorp and GeneReviews); PubMed 24341143 (cited by Labcorp Genetics (formerly Invitae), Labcorp and Illumina Laboratory Services, Illumina); PubMed 17893295 (cited by 5 submitters); PubMed 12838516 (cited by GeneReviews).